The following is an entry in ClinVar:

ClinVar aggregate classification (germline): Conflicting classifications of pathogenicity. Review status: criteria provided, conflicting classifications (1 of 4 stars). 9 submissions from 9 submitters: Pathogenic (1); Likely pathogenic (7); Uncertain significance (1). Last evaluated 2026-07-14.

Conditions:
ALPL-related disorder. Also called: ALPL-related condition; ALPL-related disorders.
Hypophosphatasia. Also called: Phosphoethanol-aminuria. Identifiers: Orphanet 436, MedGen C0020630, MeSH D007014, MONDO:0018570.
Adult hypophosphatasia. Identifiers: Orphanet 247676, Orphanet 436, MedGen C0268413, MONDO:1010154, OMIM 146300, MONDO:0007798.

Allele frequency attached by ClinVar (database versions not stated): ExAC 0.00001; gnomAD exomes 0.00001.
gnomAD v4.1: 15 of 1,607,904 alleles (0.00093%); highest among the groups gnomAD compares: Non-Finnish European, 0.00076%; no homozygotes.

Submissions (9):

Myriad Genetics, Inc.
Classification: Uncertain significance for Hypophosphatasia. Last evaluated: 2026-07-14. Review status: criteria provided, single submitter. Criteria: Myriad Autosomal Dominant, Autosomal Recessive and X-Linked Classification Criteria (2023). Collection method: clinical testing. Allele origin: unknown.
Comment: NM_000478.4(ALPL):c.1444C>A(H482N) is a missense variant classified as a variant of uncertain significance in the context of hypophosphatasia. H482N has been observed in cases with relevant disease (PMID: 21956185, 25731960, Guillemyn_2017_(Poster), 28663156). Relevant functional assessments of this variant are available in the literature (PMID: 32160374). H482N has been observed in referenced population frequency databases. In summary, there is insufficient evidence to classify NM_000478.4(ALPL):c.1444C>A(H482N) as pathogenic or benign. Please note: this variant was assessed in the context of healthy population screening.

PreventionGenetics, part of Exact Sciences
Classification: Likely pathogenic for ALPL-related condition. Last evaluated: 2026-06-26. Review status: criteria provided, single submitter. Criteria: ACMG Guidelines, 2015. Collection method: clinical testing. Allele origin: germline.
Comment: The ALPL c.1444C>A variant is predicted to result in the amino acid substitution p.His482Asn. This variant has been reported along with another ALPL variant in individuals with hypophosphatasia (Table 7, Whyte et al. 2015. PubMed ID: 25731960; Table 1: Case J, Sağlam et al. 2017. PubMed ID: 28663156). In vitro functional studies demonstrate this variant is able to retain >90% of enzyme activity compared to wildtype (Table S1, Del Angel et al. 2020. PubMed ID: 32160374). A different variant affecting the same amino acid (p.His482Gln) was reported in one child with hypophosphatasia (Su. 2021. PubMed ID: 34164522). This variant is classfied as likely pathogenic (Farman et al. 2005. PubMed ID: 40386289). This variant is reported in 0.0097% of alleles in individuals of European (Finnish) descent in gnomAD.In ClinVar, it has been classified as likely pathogenic/pathogenic (ClinVar ID: 1457579). In summary, this variant is interpreted as likely pathogenic.

Genomenon, Inc
Classification: Likely pathogenic for Hypophosphatasia. Last evaluated: 2025-08-29. Review status: criteria provided, single submitter. Criteria: Genomenon Sequence Variant Interpretation Standards. Collection method: curation. Allele origin: germline. Affected: yes.
Comment: ALPL His482Asn (c.1444C>A) is a missense variant that changes the amino acid at residue 482 from Histidine to Asparagine. This variant has been observed in at least one proband affected with hypophosphatasia (PMID:29388226;25731960;28663156). Functional studies have been reported;however, the significance of the findings remain unclear (PMID:32160374). It is absent or not present at a significant frequency in gnomAD. In silico models agree that this variant is possibly or probably damaging. In conclusion, we classify ALPL p.His482Asn (c.1444C>A) as a likely pathogenic variant.

Women's Health and Genetics/Laboratory Corporation of America, LabCorp
Classification: Likely pathogenic for Hypophosphatasia. Last evaluated: 2025-08-29. Review status: criteria provided, single submitter. Criteria: LabCorp Variant Classification Summary - May 2015. Collection method: clinical testing. Allele origin: germline.
Comment: Variant summary: ALPL c.1444C>A (p.His482Asn) results in a conservative amino acid change in the encoded protein sequence. Algorithms developed to predict the effect of missense changes on protein structure and function are either unavailable or do not agree on the potential impact of this missense change. The variant allele was found at a frequency of 1.2e-05 in 243954 control chromosomes. c.1444C>A has been observed in compound heterozygous individual(s) affected with Hypophosphatasia (e.g. Whyte_2015, Saglam_2017). These data indicate that the variant may be associated with disease. At least one publication reports experimental evidence evaluating an impact on protein function. The most pronounced variant effect results in >50%-90% of normal activity (e.g. DelAngel_2020). The following publications have been ascertained in the context of this evaluation (PMID: 32160374, 21956185, 28663156, 25731960). ClinVar contains an entry for this variant (Variation ID: 1457579). Based on the evidence outlined above, the variant was classified as likely pathogenic.

Natera, Inc.
Classification: Likely pathogenic for Hypophosphatasia. Last evaluated: 2024-05-30. Review status: criteria provided, single submitter. Criteria: Natera Variant Classification Schema (03/2026). Collection method: clinical testing. Allele origin: germline.
Comment: The c.1444C>A variant in ALPL is a missense variant predicted to cause substitution of histidine to asparagine at amino acid 482. This variant is rare in the general population with a frequency below the threshold expected for the associated phenotype(s). This variant has been observed in one or more individuals affected with the associated recessive disease, as either homozygous or compound heterozygous with a second variant (PMID: 25731960). This variant has been identified in one or more affected individuals with a phenotype highly consistent with the associated gene (PMID: 25731960). Computational prediction algorithms indicate this variant is likely to affect gene or protein function. Given the available evidence, this variant is classified as Likely Pathogenic.

Labcorp Genetics (formerly Invitae), Labcorp
Classification: Pathogenic. Last evaluated: 2024-02-14. Review status: criteria provided, single submitter. Criteria: Invitae Variant Classification Sherloc (09022015). Collection method: clinical testing. Allele origin: germline.
Comment: This sequence change replaces histidine, which is basic and polar, with asparagine, which is neutral and polar, at codon 482 of the ALPL protein (p.His482Asn). This variant is present in population databases (rs780857373, gnomAD 0.009%). This missense change has been observed in individual(s) with hypophosphatasia (PMID: 25731960, 28663156). ClinVar contains an entry for this variant (Variation ID: 1457579). Advanced modeling of protein sequence and biophysical properties (such as structural, functional, and spatial information, amino acid conservation, physicochemical variation, residue mobility, and thermodynamic stability) performed at Invitae indicates that this missense variant is expected to disrupt ALPL protein function with a positive predictive value of 95%. For these reasons, this variant has been classified as Pathogenic.

Baylor Genetics
Classification: Likely pathogenic for Adult hypophosphatasia. Last evaluated: 2023-10-30. Review status: criteria provided, single submitter. Criteria: ACMG Guidelines, 2015. Collection method: clinical testing. Allele origin: unknown.

JKU Lab, Dept of Paediatrics, Johannes Kepler University
Classification: Likely pathogenic for Hypophosphatasia. Last evaluated: 2023-10-24. Review status: criteria provided, single submitter. Criteria: ACMG Guidelines, 2015. Collection method: clinical testing. Allele origin: germline. Affected: yes. Observed: 1 heterozygote.
Comment: GnomAD ƒ = 0.00001574 (European, non-Finnish). The functional test results and ACMG criteria applied can be looked up in the ALPL gene variant database.

Blueprint Genetics
Classification: Likely pathogenic for ALPL-related disorders. Last evaluated: 2023-04-05. Review status: criteria provided, single submitter. Criteria: ACMG Guidelines, 2015. Collection method: clinical testing. Allele origin: germline. Affected: yes. Observed: 2 variant alleles.

Literature cited by the submitters: PubMed 32160374 (cited by 3 submitters); PubMed 29388226 (cited by Genomenon, Inc); PubMed 25731960 (cited by 4 submitters); PubMed 28663156 (cited by 3 submitters); PubMed 21956185 (cited by Women's Health and Genetics/Laboratory Corporation of America, LabCorp); PubMed 32200022 (cited by JKU Lab, Dept of Paediatrics, Johannes Kepler University).

NM_000478.6(ALPL):c.1444C>A (p.His482Asn)

Gene: ALPL (alkaline phosphatase, biomineralization associated; plus strand). Cytogenetic location: 1p36.12.
Variant type: single nucleotide variant.
Coding change: c.1444C>A on transcript NM_000478.6 (MANE Select); coding-DNA position 1444, C replaced by A.
Protein change: p.His482Asn; replaces histidine 482 with asparagine.
Molecular consequence: missense variant.
Genome position (GRCh38, 1-based): chr1:21,577,517, C>A. VCF-style: chr1-21577517-C-A. GRCh37 (hg19) VCF-style: chr1-21904010-C-A.
Other names: c.1444C>A, p.His482Asn (NM_001369804.2, NM_001369805.2, NM_001369803.2); c.1279C>A, p.His427Asn (NM_001127501.4); c.1213C>A, p.His405Asn (NM_001177520.3); c.1444C>A (NM_000478.5); short protein forms H405N, H427N, H482N.
Identifiers: ClinVar variation 1457579 (VCV001457579.19), dbSNP rs780857373, ClinGen allele CA666854.